The following is an entry in ClinVar:

NM_000137.4(FAH):c.1062+5G>A

Gene: FAH (fumarylacetoacetate hydrolase; plus strand). Cytogenetic location: 15q25.1.
Variant type: single nucleotide variant.
Coding change: c.1062+5G>A on transcript NM_000137.4 (MANE Select); 5 bases into the intron after coding-DNA position 1062, G replaced by A.
Molecular consequence: intron variant.
Genome position (GRCh38, 1-based): chr15:80,180,230, G>A. VCF-style: chr15-80180230-G-A. GRCh37 (hg19) VCF-style: chr15-80472572-G-A.
Other names: IVS12+5 G>A; IVS12DS, G-A, +5; c.1062+5G>A (NM_001374377.1, NM_001374380.1).
Identifiers: ClinVar variation 11870 (VCV000011870.109), dbSNP rs80338901, ClinGen allele CA220369.

ClinVar aggregate classification (germline): Pathogenic/Likely pathogenic. Review status: criteria provided, multiple submitters, no conflicts (2 of 4 stars). 34 submissions from 34 submitters: Pathogenic (27); Likely pathogenic (1). 6 of the submissions do not count toward it. Last evaluated 2026-08-11.

Conditions:
FAH-related disorder. Also called: FAH-related condition.
FAH-related disorders.
Inborn genetic diseases. Identifiers: MedGen C0950123, MeSH D030342.
Tyrosinemia type I (TYRSN1). Also called: FAH DEFICIENCY; HEPATORENAL TYROSINEMIA; Deficiency of fumarylacetoacetase; Tyrosinemia type 1; Fumarylacetoacetase deficiency. Identifiers: Orphanet 882, MedGen C0268490, MONDO:0010161, OMIM 276700. Disease mechanism: loss of function.
Tyrosinemia. Identifiers: MedGen C0268486, MONDO:0004741.

Allele frequency attached by ClinVar (database versions not stated): TOPMed 0.00023; gnomAD 0.00027 and 0.00028; gnomAD exomes 0.00037 and 0.00040; 1000 Genomes Project 0.00040; ExAC 0.00042; 1000 Genomes Project 30x 0.00062.
gnomAD v4.1: 609 of 1,602,704 alleles (0.038%); highest among the groups gnomAD compares: Non-Finnish European, 0.046%; no homozygotes.

Submissions 1 to 12 of 36:

PreventionGenetics, part of Exact Sciences
Classification: Pathogenic for FAH-related condition. Last evaluated: 2026-08-11. Review status: criteria provided, single submitter. Criteria: ACMG Guidelines, 2015. Collection method: clinical testing. Allele origin: germline.
Comment: The FAH c.1062+5G>A variant is predicted to interfere with splicing. This variant has been well documented to be causative for tyrosinemia type I (also referred to as IVS12+5G>A; Grompe and al-Dhalimy. 1993. PubMed ID: 8318997; Pérez-Carro et al. 2014. PubMed ID: 23895425) and is particularly prevalent in the French Canadian and Northern European populations (Poudrier et al. 1996. PubMed ID: 8821854; Sheth et al. 2012. PubMed ID: 23193487). Using minigene analysis, the c.1062+5G>A variant was shown to result in exon skipping (Pérez-Carro et al. 2014. PubMed ID: 23895425). This variant is interpreted as pathogenic in the ClinVar database (Variation ID: 11870). This variant is reported in 0.066% of alleles in individuals of European (non-Finnish) descent in gnomAD. This variant is interpreted as pathogenic.

Labcorp Genetics (formerly Invitae), Labcorp
Classification: Pathogenic for Tyrosinemia type I. Last evaluated: 2026-01-20. Review status: criteria provided, single submitter. Criteria: Invitae Variant Classification Sherloc (09022015). Collection method: clinical testing. Allele origin: germline.
Comment: This sequence change falls in intron 12 of the FAH gene. It does not directly change the encoded amino acid sequence of the FAH protein. It affects a nucleotide within the consensus splice site. This variant is present in population databases (rs80338901, gnomAD 0.07%). This variant has been observed in individuals with hereditary tyrosinemia type 1 (PMID: 8318997, 23895425, 26565546). It is commonly reported in individuals of French-Canadian ancestry (PMID: 23193487, 28755192). ClinVar contains an entry for this variant (Variation ID: 11870). Variants that disrupt the consensus splice site are a relatively common cause of aberrant splicing (PMID: 17576681, 9536098). Algorithms developed to predict the effect of sequence changes on RNA splicing suggest that this variant may disrupt the consensus splice site. For these reasons, this variant has been classified as Pathogenic.

Natera, Inc.
Classification: Pathogenic for Tyrosinemia type I. Last evaluated: 2025-12-07. Review status: criteria provided, single submitter. Criteria: Natera Variant Classification Schema (03/2026). Collection method: clinical testing. Allele origin: germline.
Comment: The c.1062+5G>A variant in FAH is an intronic variant located outside the canonical splice sites. This variant is rare in the general population with a frequency below the threshold expected for the associated phenotype(s). This variant has been observed in one or more individuals affected with the associated recessive disease, as either homozygous or compound heterozygous with a second variant (PMID: 21752152, 8076937, 26565546, 33046095). Given the available evidence, this variant is classified as Pathogenic.

Ambry Genetics
Classification: Pathogenic for Inborn genetic diseases. Last evaluated: 2025-08-28. Review status: criteria provided, single submitter. Criteria: Ambry Variant Classification Scheme 2023. Collection method: clinical testing. Allele origin: germline.
Comment: The c.1062+5G>A intronic alteration consists of a G to A substitution 5 nucleotides after coding exon 12 of the FAH gene. Based on data from gnomAD, the A allele has an overall frequency of 0.037% (102/273478) total alleles studied. The highest observed frequency was 0.067% (85/127902) of European (non-Finnish) alleles. This variant has been identified in the homozygous state and/or in conjunction with other FAH variant(s) in individual(s) with features consistent with FAH-related tyrosinemia (Hajji, 2022; Arranz, 2002; Elpeleg, 2002; Grompe, 1993). Note, this variant is also referred to as IVS12+5 G>A in the literature. This nucleotide position is highly conserved in available vertebrate species. RNA studies have demonstrated that this alteration results in abnormal splicing in the set of samples tested (P&eacute;rez-Carro, 2014; Hahn, 1995). In silico splice site analysis predicts that this alteration will weaken the native splice donor site. Based on the available evidence, this alteration is classified as pathogenic.

First Genomix Gene Laboratory, Genetic Diagnostics Department
Classification: Pathogenic for Tyrosinemia type I. Last evaluated: 2025-05-30. Review status: criteria provided, single submitter. Criteria: ACMG Guidelines, 2015. Collection method: clinical testing. Allele origin: germline. Inheritance: Autosomal recessive inheritance. Affected: no. Observed: 1 variant allele.

Women's Health and Genetics/Laboratory Corporation of America, LabCorp
Classification: Pathogenic for Tyrosinemia type I. Last evaluated: 2025-03-05. Review status: criteria provided, single submitter. Criteria: LabCorp Variant Classification Summary - May 2015. Collection method: clinical testing. Allele origin: germline.
Comment: Variant summary: FAH c.1062+5G>A alters a conserved nucleotide located close to a canonical splice site and therefore could affect mRNA splicing, leading to a significantly altered protein sequence. Several computational tools predict a significant impact on normal splicing: Four predict the variant weakens a 5' donor site. Functional studies have shown that this variant leads to aberrant splicing causing either insertion of a 105 base-pair fragment due to a cryptic splice site, or skipping of exon 12, or skipping of both exons 12 and 13 (Hahn_1995, Perez_2014) as well as loss of enzymatic activity in patients cells (Bergeron _2001). The variant allele was found at a frequency of 0.00037 in 242210 control chromosomes. c.1062+5G>A has been reported in the literature in multiple individuals affected with Tyrosinemia Type 1 (e.g. Grompe_1994, Dursun_2011, Hahn_FAH_1995, Bergeron_2001) and is a known common pathogenic variant more commonly found in French Canadian population. The following publications have been ascertained in the context of this evaluation (PMID: 11278491, 8028615, 15638932, 23430822, 23895425, 7550234). ClinVar contains an entry for this variant (Variation ID: 11870). Based on the evidence outlined above, the variant was classified as pathogenic.

Center for Genomic Medicine, Rigshospitalet, Copenhagen University Hospital
Classification: Pathogenic. Last evaluated: 2025-03-04. Review status: criteria provided, single submitter. Criteria: ACMG Guidelines, 2015. Collection method: clinical testing. Allele origin: germline.

Dasa
Classification: Pathogenic. Last evaluated: 2025-02-17. Review status: criteria provided, single submitter. Criteria: DASA Assertion Criteria. Collection method: clinical testing. Allele origin: germline.
Comment: NM_000137.4(FAH):c.1062+5G>A is a splice-region variant predicted to affect normal RNA splicing. This variant has been observed in affected individuals with related phenotype in a genotype context consistent with recessive disease (PMID: 8318997; PMID: 23895425; PMID: 21752152; PMID: 12203990; PMID: 8829657). Functional evidence supports a deleterious effect on the gene or gene product (PMID: 8318997; PMID: 23895425; PMID: 21752152; PMID: 12203990; PMID: 8829657). This variant has been recurrently observed in individuals with related phenotype (PMID: 8318997; PMID: 23895425; PMID: 21752152; PMID: 12203990; PMID: 8829657). Multiple computational predictions support a deleterious effect on the gene or gene product. The variant is present at low frequency in population datasets. Based on the available data, this variant is classified as pathogenic.

Mayo Clinic Laboratories, Mayo Clinic
Classification: Pathogenic. Last evaluated: 2025-01-20. Review status: criteria provided, single submitter. Criteria: ACMG Guidelines, 2015. Collection method: clinical testing. Allele origin: germline. Observed: 2 variant alleles.
Comment: PP3, PM2_supporting, PS3, PS4, PVS1_strong

Blueprint Genetics
Classification: Pathogenic for FAH-related disorders. Last evaluated: 2024-11-25. Review status: criteria provided, single submitter. Criteria: ACMG Guidelines, 2015. Collection method: clinical testing. Allele origin: de novo. Affected: yes. Observed: 5 variant alleles.

Dubai Health Genomic Medicine Center, Dubai Health
Classification: Pathogenic for Tyrosinemia. Last evaluated: 2024-10-04. Review status: criteria provided, single submitter. Criteria: ACMG Guidelines, 2015. Collection method: research. Allele origin: germline. Affected: yes.
Comment: PM3_VeryStrong, PS3

3billion
Classification: Likely pathogenic for Tyrosinemia type I. Last evaluated: 2024-08-26. Review status: criteria provided, single submitter. Criteria: ACMG Guidelines, 2015. Collection method: clinical testing. Allele origin: germline. Affected: yes.
Comment: The variant is observed at an extremely low frequency in the gnomAD v4.0.0 dataset (total allele frequency: 0.020%). Predicted Consequence/Location: Canonical splice site: predicted to alter splicing and result in a loss or disruption of normal protein function. Multiple pathogenic loss-of-function variants are reported downstream of the variant. In silico tools predict the variant to alter splicing and produce an abnormal transcript [SpliceAI: 0.99 (spliceogenicity >=0.2, non-spliceogenicity <0.1)]. The variant has been reported at least twice as pathogenic with clinical assertions and evidence for the classification (ClinVar ID: VCV000011874 /PMID: 8829657). Therefore, this variant is classified as Pathogenic according to the recommendation of ACMG/AMP guideline.